The following is an entry in ClinVar:

NM_022114.4(PRDM16):c.1366A>G (p.Ile456Val)

Gene: PRDM16 (PR/SET domain 16; plus strand). Cytogenetic location: 1p36.32.
Variant type: single nucleotide variant.
Coding change: c.1366A>G on transcript NM_022114.4 (MANE Select); coding-DNA position 1366, A replaced by G.
Protein change: p.Ile456Val; replaces isoleucine 456 with valine.
Molecular consequence: missense variant.
Genome position (GRCh38, 1-based): chr1:3,411,563, A>G. VCF-style: chr1-3411563-A-G. GRCh37 (hg19) VCF-style: chr1-3328127-A-G.
Other names: c.1366A>G, p.Ile456Val (NM_199454.3); short protein forms I456V.
Identifiers: ClinVar variation 1445255 (VCV001445255.6), dbSNP rs748673433, ClinGen allele CA544171.
Genomic context (GRCh38, chr1:3,411,563, plus strand): 5'-TCCTCCCTCAACAAGCACCGGCGCTTCTGCGAGGGCAAGAACCATTACACGCCGGGCGGC[A>G]TCTTTGCCCCGGGCCTGCCCTTGACCCCCAGCCCCATGATGGACAAGGCAAAACCCTCCC-3'
Protein context (NP_071397.3, residues 446-466): EGKNHYTPGG[Ile456Val]FAPGLPLTPS

ClinVar aggregate classification (germline): Uncertain significance (1 of 4 stars; one submission).

Conditions:
Left ventricular noncompaction 8 (LVNC8). Identifiers: Orphanet 154, Orphanet 54260, MedGen C3809288, MONDO:0014152, OMIM 615373.

Allele frequency attached by ClinVar (database versions not stated): gnomAD exomes below 0.00001; TOPMed below 0.00001; ExAC 0.00001.
gnomAD v4.1: 5 of 1,614,096 alleles (0.00031%); highest among the groups gnomAD compares: East Asian, 0.0067%; no homozygotes.

Submission:

Labcorp Genetics (formerly Invitae), Labcorp
Classification: Uncertain significance for Left ventricular noncompaction 8. Last evaluated: 2024-05-29. Review status: criteria provided, single submitter. Criteria: Invitae Variant Classification Sherloc (09022015). Collection method: clinical testing. Allele origin: germline.
Comment: This sequence change replaces isoleucine, which is neutral and non-polar, with valine, which is neutral and non-polar, at codon 456 of the PRDM16 protein (p.Ile456Val). This variant is present in population databases (rs748673433, gnomAD 0.01%). This variant has not been reported in the literature in individuals affected with PRDM16-related conditions. ClinVar contains an entry for this variant (Variation ID: 1445255). An algorithm developed to predict the effect of missense changes on protein structure and function (PolyPhen-2) suggests that this variant is likely to be tolerated. In summary, the available evidence is currently insufficient to determine the role of this variant in disease. Therefore, it has been classified as a Variant of Uncertain Significance.